The following is an entry in ClinVar:

NM_015375.3(DSTYK):c.1840C>T (p.Arg614Trp)

Gene: DSTYK (dual serine/threonine and tyrosine protein kinase; minus strand). Cytogenetic location: 1q32.1.
Variant type: single nucleotide variant.
Coding change: c.1840C>T on transcript NM_015375.3 (MANE Select); coding-DNA position 1840, C replaced by T.
Protein change: p.Arg614Trp; replaces arginine 614 with tryptophan.
Molecular consequence: missense variant.
Genome position (GRCh38, 1-based): chr1:205,161,366, G>A on the plus strand (C>T on the coding strand, the complement: DSTYK is on the minus strand). VCF-style: chr1-205161366-G-A. GRCh37 (hg19) VCF-style: chr1-205130494-G-A.
Other names: c.1840C>T, p.Arg614Trp (NM_199462.3); short protein forms R614W.
Identifiers: ClinVar variation 2725497 (VCV002725497.3), dbSNP rs1300122167, ClinGen allele CA344395324.

ClinVar aggregate classification (germline): Uncertain significance (1 of 4 stars; one submission).

Allele frequency attached by ClinVar (database versions not stated): gnomAD exomes below 0.00001.
gnomAD v4.1: 1 of 1,614,054 alleles (0.000062%); highest among the groups gnomAD compares: Non-Finnish European, 0.000085%; no homozygotes.

Submission:

Labcorp Genetics (formerly Invitae), Labcorp
Classification: Uncertain significance. Last evaluated: 2023-06-01. Review status: criteria provided, single submitter. Criteria: Invitae Variant Classification Sherloc (09022015). Collection method: clinical testing. Allele origin: germline.
Comment: In summary, the available evidence is currently insufficient to determine the role of this variant in disease. Therefore, it has been classified as a Variant of Uncertain Significance. An algorithm developed to predict the effect of missense changes on protein structure and function (PolyPhen-2) suggests that this variant is likely to be disruptive. This variant has not been reported in the literature in individuals affected with DSTYK-related conditions. This variant is present in population databases (no rsID available, gnomAD 0.0009%). This sequence change replaces arginine, which is basic and polar, with tryptophan, which is neutral and slightly polar, at codon 614 of the DSTYK protein (p.Arg614Trp).